The following is an entry in ClinVar:

ClinVar aggregate classification (germline): Benign. Review status: criteria provided, multiple submitters, no conflicts (2 of 4 stars). 6 submissions from 6 submitters: Benign (6). Last evaluated 2026-02-03.

Conditions:
Knobloch syndrome (KNO). Also called: RETINAL DETACHMENT AND OCCIPITAL ENCEPHALOCELE; Myopia retinal detachment encephalocele. Identifiers: Orphanet 1571, MedGen C1849409, MONDO:0800166.

Allele frequency attached by ClinVar (database versions not stated): 1000 Genomes Project 30x 0.04482; ESP Exome Variant Server 0.04525; 1000 Genomes Project 0.04593; TOPMed 0.04718; gnomAD 0.05785 and 0.05808; gnomAD exomes 0.06530 and 0.06551; ExAC 0.09423.
gnomAD v4.1: 103,189 of 1,599,814 alleles (6.5%); highest among the groups gnomAD compares: South Asian, 10%; 3,930 homozygotes.

Submissions (6):

Labcorp Genetics (formerly Invitae), Labcorp
Classification: Benign. Last evaluated: 2026-02-03. Review status: criteria provided, single submitter. Criteria: Invitae Variant Classification Sherloc (09022015). Collection method: clinical testing. Allele origin: germline.

Blueprint Genetics
Classification: Benign. Last evaluated: 2024-11-28. Review status: criteria provided, single submitter. Criteria: ACMG Guidelines, 2015. Collection method: clinical testing. Allele origin: germline.

GeneDx
Classification: Benign. Last evaluated: 2021-05-04. Review status: criteria provided, single submitter. Criteria: GeneDx Variant Classification Process June 2021. Collection method: clinical testing. Allele origin: germline. Affected: yes.

Illumina Laboratory Services, Illumina
Classification: Benign for Knobloch syndrome 1. Last evaluated: 2018-01-13. Review status: criteria provided, single submitter. Criteria: ICSL Variant Classification Criteria 13 December 2019. Collection method: clinical testing. Allele origin: germline.
Comment: This variant was observed in the ICSL laboratory as part of a predisposition screen in an ostensibly healthy population. It had not been previously curated by ICSL or reported in the Human Gene Mutation Database (HGMD: prior to June 1st, 2018), and was therefore a candidate for classification through an automated scoring system. Utilizing variant allele frequency, disease prevalence and penetrance estimates, and inheritance mode, an automated score was calculated to assess if this variant is too frequent to cause the disease. Based on the score and internal cut-off values, a variant classified as benign is not then subjected to further curation. The score for this variant resulted in a classification of benign for this disease.

Breakthrough Genomics
Classification: Benign. Review status: criteria provided, single submitter. Criteria: ACMG Guidelines, 2015. Collection method: not provided. Allele origin: germline. Inheritance: Autosomal recessive inheritance. Affected: yes.

PreventionGenetics, part of Exact Sciences
Classification: Benign. Review status: criteria provided, single submitter. Criteria: ACMG Guidelines, 2015. Collection method: clinical testing. Allele origin: germline.

NM_001379500.1(COL18A1):c.1950G>A (p.Pro650=)

Gene: COL18A1 (collagen type XVIII alpha 1 chain; plus strand). Cytogenetic location: 21q22.3.
Variant type: single nucleotide variant.
Coding change: c.1950G>A on transcript NM_001379500.1 (MANE Select); coding-DNA position 1950, G replaced by A.
Protein change: p.Pro650=; no amino-acid change (proline 650 retained).
Molecular consequence: synonymous variant.
Genome position (GRCh38, 1-based): chr21:45,489,512, G>A. VCF-style: chr21-45489512-G-A. GRCh37 (hg19) VCF-style: chr21-46909426-G-A.
Other names: NM_130445.2:c.1950G>A; c.2490G>A, p.Pro830= (NM_030582.4); c.3195G>A, p.Pro1065= (NM_130444.3).
Identifiers: ClinVar variation 261896 (VCV000261896.17), dbSNP rs61731167, ClinGen allele CA10066694.